The following is an entry in ClinVar:

NM_000455.5(STK11):c.1172G>A (p.Cys391Tyr)

Gene: STK11 (serine/threonine kinase 11; plus strand). Cytogenetic location: 19p13.3.
Variant type: single nucleotide variant.
Coding change: c.1172G>A on transcript NM_000455.5 (MANE Select); coding-DNA position 1172, G replaced by A.
Protein change: p.Cys391Tyr; replaces cysteine 391 with tyrosine.
Molecular consequence: missense variant.
Genome position (GRCh38, 1-based): chr19:1,226,517, G>A. VCF-style: chr19-1226517-G-A. GRCh37 (hg19) VCF-style: chr19-1226516-G-A.
Other names: short protein forms C391Y.
Identifiers: ClinVar variation 947214 (VCV000947214.10), dbSNP rs2080822382, ClinGen allele CA402953509.

ClinVar aggregate classification (germline): Uncertain significance. Review status: criteria provided, multiple submitters, no conflicts (2 of 4 stars). 2 submissions from 2 submitters: Uncertain significance (2). Last evaluated 2023-12-24.

Conditions:
Peutz-Jeghers syndrome (PJS). Also called: Peutz-Jeghers polyposis; Periorificial lentiginosis syndrome; POLYPOSIS, HAMARTOMATOUS INTESTINAL; POLYPS-AND-SPOTS SYNDROME. Identifiers: Orphanet 2869, MedGen C0031269, MeSH D010580, MONDO:0008280, OMIM 175200.
Hereditary cancer-predisposing syndrome. Also called: Neoplastic Syndromes, Hereditary; Hereditary neoplastic syndrome; Hereditary Cancer Syndrome; Tumor predisposition. Identifiers: Orphanet 140162, MedGen C0027672, MeSH D009386, MONDO:0015356.

Allele frequency attached by ClinVar (database versions not stated): gnomAD exomes below 0.00001.
gnomAD v4.1: 1 of 1,610,210 alleles (0.000062%); highest among the groups gnomAD compares: Non-Finnish European, 0.000085%; no homozygotes.

Submissions (2):

Ambry Genetics
Classification: Uncertain significance for Hereditary cancer-predisposing syndrome. Last evaluated: 2023-12-24. Review status: criteria provided, single submitter. Criteria: Ambry Variant Classification Scheme 2023. Collection method: clinical testing. Allele origin: germline.
Comment: The p.C391Y variant (also known as c.1172G>A), located in coding exon 9 of the STK11 gene, results from a G to A substitution at nucleotide position 1172. The cysteine at codon 391 is replaced by tyrosine, an amino acid with highly dissimilar properties. This amino acid position is conserved. In addition, this alteration is predicted to be deleterious by in silico analysis. Since supporting evidence is limited at this time, the clinical significance of this alteration remains unclear.

Labcorp Genetics (formerly Invitae), Labcorp
Classification: Uncertain significance for Peutz-Jeghers syndrome. Last evaluated: 2019-06-18. Review status: criteria provided, single submitter. Criteria: Invitae Variant Classification Sherloc (09022015). Collection method: clinical testing. Allele origin: germline.
Comment: In summary, the available evidence is currently insufficient to determine the role of this variant in disease. Therefore, it has been classified as a Variant of Uncertain Significance. Algorithms developed to predict the effect of missense changes on protein structure and function are either unavailable or do not agree on the potential impact of this missense change (SIFT: "Deleterious"; PolyPhen-2: "Probably Damaging"; Align-GVGD: "Class C0"). This variant has not been reported in the literature in individuals with STK11-related conditions. This variant is not present in population databases (ExAC no frequency). This sequence change replaces cysteine with tyrosine at codon 391 of the STK11 protein (p.Cys391Tyr). The cysteine residue is highly conserved and there is a large physicochemical difference between cysteine and tyrosine.